The following is an entry in ClinVar:

NM_006031.6(PCNT):c.90C>T (p.Asp30=)

Genes: PCNT (pericentrin; plus strand), LOC128092249 (uncharacterized LOC128092249; plus strand). Cytogenetic location: 21q22.3.
Variant type: single nucleotide variant.
Coding change: c.90C>T on transcript NM_006031.6 (MANE Select); coding-DNA position 90, C replaced by T.
Protein change: p.Asp30=; no amino-acid change (aspartic acid 30 retained).
Molecular consequence: synonymous variant. On other transcripts: 5 prime UTR variant (1).
Genome position (GRCh38, 1-based): chr21:46,326,412, C>T. VCF-style: chr21-46326412-C-T. GRCh37 (hg19) VCF-style: chr21-47746326-C-T.
Other names: c.-265C>T (NM_001315529.2).
Identifiers: ClinVar variation 725654 (VCV000725654.8), dbSNP rs369382020, ClinGen allele CA10078134.

ClinVar aggregate classification (germline): Likely benign. Review status: criteria provided, single submitter (1 of 4 stars). 2 submissions from 2 submitters: Likely benign (1). 1 of the submissions does not count toward it. Last evaluated 2025-01-29.

Conditions:
PCNT-related disorder. Also called: PCNT-related condition.

Allele frequency attached by ClinVar (database versions not stated): gnomAD 0.00024 and 0.00021; ExAC 0.00002; TOPMed 0.00022; gnomAD exomes 0.00003; ESP Exome Variant Server 0.00015.
gnomAD v4.1: 51 of 1,614,098 alleles (0.0032%); highest among the groups gnomAD compares: African/African-American, 0.065%; no homozygotes.

Submissions (2):

Labcorp Genetics (formerly Invitae), Labcorp
Classification: Likely benign. Last evaluated: 2025-01-29. Review status: criteria provided, single submitter. Criteria: Invitae Variant Classification Sherloc (09022015). Collection method: clinical testing. Allele origin: germline.

PreventionGenetics, part of Exact Sciences
Classification: Likely benign for PCNT-related condition. Last evaluated: 2022-12-09. Review status: no assertion criteria provided. Collection method: clinical testing. Allele origin: germline. Not counted in ClinVar's aggregate classification.
Comment: This variant is classified as likely benign based on ACMG/AMP sequence variant interpretation guidelines (Richards et al. 2015 PMID: 25741868, with internal and published modifications).